The following is an entry in ClinVar:

ClinVar aggregate classification (germline): Likely pathogenic (1 of 4 stars; one submission).

Conditions:
Cholestasis-pigmentary retinopathy-cleft palate syndrome (HDKR). Also called: Hardikar Syndrome (HS). Identifiers: Orphanet 1415, MedGen C0795969, MeSH C535632, MONDO:0012997, OMIM 301068.

Submission:

3billion
Classification: Likely pathogenic for Cholestasis-pigmentary retinopathy-cleft palate syndrome. Last evaluated: 2026-01-13. Review status: criteria provided, single submitter. Criteria: ACMG Guidelines, 2015. Collection method: clinical testing. Allele origin: germline. Affected: yes.
Comment: The variant is not observed in the gnomAD v4.1.0 dataset. Predicted Consequence/Location: Frameshift: predicted to result in a loss or disruption of normal protein function through nonsense-mediated decay (NMD) or protein truncation. Multiple pathogenic variants are reported downstream of the variant. Therefore, this variant is classified as Likely pathogenic according to the recommendation of ACMG/AMP guideline.

NM_005120.3(MED12):c.5877dup (p.Ala1960fs)

Gene: MED12 (mediator complex subunit 12; plus strand). Cytogenetic location: Xq13.1.
Variant type: Duplication.
Coding change: c.5877dup on transcript NM_005120.3 (MANE Select); coding-DNA position 5877, one base duplicated (T; older notation c.5877dupT).
Protein change: p.Ala1960fs; shifts the reading frame from alanine 1960.
Molecular consequence: frameshift variant.
Genome position (GRCh38, 1-based): chrX:71,137,776, T duplicated. VCF-style (leftmost placement, unchanged base first): chrX-71137775-C-CT. GRCh37 (hg19) VCF-style: chrX-70357625-C-CT.
Other names: short protein forms A1960fs.
Identifiers: ClinVar variation 4855404 (VCV004855404.1).
Genomic context (GRCh38, chrX:71,137,775, plus strand): 5'-CTTCCCTCCAGGGCTATACTCCTTATGTTTCTCATGTGGGATTGCAGCAACACACAGGCC[C>CT]TGCAGGTACCATGGTGCCCCCCAGCTACTCCAGCCAGCCTTACCAGAGCACCCACCCTTC-3'